The following is an entry in ClinVar:

ClinVar aggregate classification (germline): Uncertain significance (1 of 4 stars; one submission).

Submission:

Quest Diagnostics Nichols Institute San Juan Capistrano
Classification: Uncertain significance. Last evaluated: 2025-07-15. Review status: criteria provided, single submitter. Criteria: Quest Diagnostics criteria. Collection method: clinical testing. Allele origin: unknown.
Comment: The FANCM c.3031A>G (p.Ile1011Val) variant has been reported in the published literature in an individual with breast cancer (PMID: 34326862 (2021)). This variant has not been reported in large, multi-ethnic general populations (Genome Aggregation Database). Analysis of this variant using bioinformatics tools for the prediction of the effect of amino acid changes on protein structure and function yielded predictions that this variant is benign. Based on the available information, we are unable to determine the clinical significance of this variant.

Literature cited by the submitters: PubMed 34326862.

NM_020937.4(FANCM):c.3031A>G (p.Ile1011Val)

Gene: FANCM (FA complementation group M; plus strand). Cytogenetic location: 14q21.2.
Variant type: single nucleotide variant.
Coding change: c.3031A>G on transcript NM_020937.4 (MANE Select); coding-DNA position 3031, A replaced by G.
Protein change: p.Ile1011Val; replaces isoleucine 1011 with valine.
Molecular consequence: missense variant.
Genome position (GRCh38, 1-based): chr14:45,175,785, A>G. VCF-style: chr14-45175785-A-G. GRCh37 (hg19) VCF-style: chr14-45644988-A-G.
Other names: c.2953A>G, p.Ile985Val (NM_001308133.2); short protein forms I1011V, I985V.
Identifiers: ClinVar variation 4533129 (VCV004533129.1).